The following is an entry in ClinVar:

ClinVar aggregate classification (germline): Uncertain significance (1 of 4 stars; one submission).

Submission:

Ambry Genetics
Classification: Uncertain significance. Last evaluated: 2021-08-11. Review status: criteria provided, single submitter. Criteria: Ambry Variant Classification Scheme 2023. Collection method: clinical testing. Allele origin: germline.
Comment: The p.I497S variant (also known as c.1490T>G), located in coding exon 12 of the RECQL gene, results from a T to G substitution at nucleotide position 1490. The isoleucine at codon 497 is replaced by serine, an amino acid with dissimilar properties. This amino acid position is conserved. In addition, this alteration is predicted to be tolerated by in silico analysis. Since supporting evidence is limited at this time, the clinical significance of this alteration remains unclear.

NM_002907.4(RECQL):c.1490T>G (p.Ile497Ser)

Gene: RECQL (RecQ like helicase; minus strand). Cytogenetic location: 12p12.1.
Variant type: single nucleotide variant.
Coding change: c.1490T>G on transcript NM_002907.4 (MANE Select); coding-DNA position 1490, T replaced by G.
Protein change: p.Ile497Ser; replaces isoleucine 497 with serine.
Molecular consequence: missense variant.
Genome position (GRCh38, 1-based): chr12:21,471,605, A>C on the plus strand (T>G on the coding strand, the complement: RECQL is on the minus strand). VCF-style: chr12-21471605-A-C. GRCh37 (hg19) VCF-style: chr12-21624539-A-C.
Other names: c.1490T>G, p.Ile497Ser (NM_032941.3); short protein forms I497S.
Identifiers: ClinVar variation 1773779 (VCV001773779.2), dbSNP rs1426432625, ClinGen allele CA384116306.